The following is an entry in ClinVar:

NM_000092.5(COL4A4):c.679C>T (p.Arg227Cys)

Gene: COL4A4 (collagen type IV alpha 4 chain; minus strand). Cytogenetic location: 2q36.3.
Variant type: single nucleotide variant.
Coding change: c.679C>T on transcript NM_000092.5 (MANE Select); coding-DNA position 679, C replaced by T.
Protein change: p.Arg227Cys; replaces arginine 227 with cysteine.
Molecular consequence: missense variant.
Genome position (GRCh38, 1-based): chr2:227,108,847, G>A on the plus strand (C>T on the coding strand, the complement: COL4A4 is on the minus strand). VCF-style: chr2-227108847-G-A. GRCh37 (hg19) VCF-style: chr2-227973563-G-A.
Other names: short protein forms R227C.
Identifiers: ClinVar variation 2155681 (VCV002155681.9), dbSNP rs774801022, ClinGen allele CA2145499.

ClinVar aggregate classification (germline): Uncertain significance. Review status: criteria provided, multiple submitters, no conflicts (2 of 4 stars). 2 submissions from 2 submitters: Uncertain significance (2). Last evaluated 2025-07-01.

Allele frequency attached by ClinVar (database versions not stated): ExAC 0.00001; gnomAD exomes 0.00001.

Submissions (2):

CeGaT Center for Human Genetics Tuebingen
Classification: Uncertain significance. Last evaluated: 2025-07-01. Review status: criteria provided, single submitter. Criteria: CeGaT Center For Human Genetics Tuebingen Variant Classification Criteria Version 2. Collection method: clinical testing. Allele origin: germline. Affected: yes. Observed: 1 variant allele.
Comment: COL4A4: PM2

Labcorp Genetics (formerly Invitae), Labcorp
Classification: Uncertain significance. Last evaluated: 2022-06-05. Review status: criteria provided, single submitter. Criteria: Invitae Variant Classification Sherloc (09022015). Collection method: clinical testing. Allele origin: germline.
Comment: This sequence change replaces arginine, which is basic and polar, with cysteine, which is neutral and slightly polar, at codon 227 of the COL4A4 protein (p.Arg227Cys). This variant is present in population databases (rs774801022, gnomAD 0.006%). This variant has not been reported in the literature in individuals affected with COL4A4-related conditions. Advanced modeling of protein sequence and biophysical properties (such as structural, functional, and spatial information, amino acid conservation, physicochemical variation, residue mobility, and thermodynamic stability) performed at Invitae indicates that this missense variant is not expected to disrupt COL4A4 protein function. In summary, the available evidence is currently insufficient to determine the role of this variant in disease. Therefore, it has been classified as a Variant of Uncertain Significance.